The following is an entry in ClinVar:

NM_012123.4(MTO1):c.171dup (p.Cys58fs)

Gene: MTO1 (mitochondrial tRNA translation optimization 1; plus strand). Cytogenetic location: 6q13.
Variant type: Duplication.
Coding change: c.171dup on transcript NM_012123.4 (MANE Select); coding-DNA position 171, one base duplicated (G; older notation c.171dupG).
Protein change: p.Cys58fs; shifts the reading frame from cysteine 58.
Molecular consequence: frameshift variant.
Genome position (GRCh38, 1-based): chr6:73,462,025, G duplicated; the last of 2 consecutive G bases (chr6:73,462,024-73,462,025); duplicating either gives the same sequence. VCF-style (leftmost placement, unchanged base first): chr6-73462023-C-CG. GRCh37 (hg19) VCF-style: chr6-74171746-C-CG.
Other names: c.171dup, p.Cys58fs (NM_001123226.2, NM_133645.3); short protein forms C58fs.
Identifiers: ClinVar variation 3723470 (VCV003723470.2).

ClinVar aggregate classification (germline): Pathogenic (1 of 4 stars; one submission).

Conditions:
Mitochondrial hypertrophic cardiomyopathy with lactic acidosis due to MTO1 deficiency. Also called: CARDIOMYOPATHY, INFANTILE HYPERTROPHIC MITOCHONDRIAL, AND LACTIC ACIDOSIS; Combined oxidative phosphorylation deficiency 10. Identifiers: Orphanet 314637, MedGen C4749921, MONDO:0013865, OMIM 614702.

Submission:

Labcorp Genetics (formerly Invitae), Labcorp
Classification: Pathogenic for Mitochondrial hypertrophic cardiomyopathy with lactic acidosis due to MTO1 deficiency. Last evaluated: 2025-01-13. Review status: criteria provided, single submitter. Criteria: Invitae Variant Classification Sherloc (09022015). Collection method: clinical testing. Allele origin: germline.
Comment: This sequence change creates a premature translational stop signal (p.Cys58Valfs*21) in the MTO1 gene. It is expected to result in an absent or disrupted protein product. Loss-of-function variants in MTO1 are known to be pathogenic (PMID: 22608499, 25058219). This variant is not present in population databases (gnomAD no frequency). This variant has not been reported in the literature in individuals affected with MTO1-related conditions. For these reasons, this variant has been classified as Pathogenic.

Literature cited by the submitters: PubMed 22608499; PubMed 25058219.